The following is an entry in ClinVar:

NM_000981.4(RPL19):c.290G>A (p.Arg97Lys)

Gene: RPL19 (ribosomal protein L19; plus strand). Cytogenetic location: 17q12.
Variant type: single nucleotide variant.
Coding change: c.290G>A on transcript NM_000981.4 (MANE Select); coding-DNA position 290, G replaced by A.
Protein change: p.Arg97Lys; replaces arginine 97 with lysine.
Molecular consequence: missense variant.
Genome position (GRCh38, 1-based): chr17:39,203,043, G>A. VCF-style: chr17-39203043-G-A. GRCh37 (hg19) VCF-style: chr17-37359296-G-A.
Other names: c.284G>A, p.Arg95Lys (NM_001330200.1); short protein forms R97K, R95K.
Identifiers: ClinVar variation 4697024 (VCV004697024.1).

ClinVar aggregate classification (germline): Uncertain significance (1 of 4 stars; one submission).

gnomAD v4.1: 1 of 1,613,936 alleles (0.000062%); highest among the groups gnomAD compares: Non-Finnish European, 0.000085%; no homozygotes.

Submission:

Labcorp Genetics (formerly Invitae), Labcorp
Classification: Uncertain significance. Last evaluated: 2025-02-13. Review status: criteria provided, single submitter. Criteria: Invitae Variant Classification Sherloc (09022015). Collection method: clinical testing. Allele origin: germline.
Comment: This sequence change replaces arginine, which is basic and polar, with lysine, which is basic and polar, at codon 97 of the RPL19 protein (p.Arg97Lys). This variant is present in population databases (rs746333765, gnomAD 0.0009%). This variant has not been reported in the literature in individuals affected with RPL19-related conditions. An algorithm developed to predict the effect of missense changes on protein structure and function (PolyPhen-2) suggests that this variant is likely to be tolerated. In summary, the available evidence is currently insufficient to determine the role of this variant in disease. Therefore, it has been classified as a Variant of Uncertain Significance.